The following is an entry in ClinVar:

ClinVar aggregate classification (germline): Uncertain significance (1 of 4 stars; one submission).

Submission:

GeneDx
Classification: Uncertain significance. Last evaluated: 2024-06-03. Review status: criteria provided, single submitter. Criteria: GeneDx Variant Classification Process June 2021. Collection method: clinical testing. Allele origin: germline. Affected: yes.
Comment: Not observed at significant frequency in large population cohorts (gnomAD); In silico analysis indicates that this missense variant does not alter protein structure/function; Has not been previously published as pathogenic or benign to our knowledge

NM_018489.3(ASH1L):c.524C>T (p.Ser175Phe)

Gene: ASH1L (ASH1 like histone lysine methyltransferase; minus strand). Cytogenetic location: 1q22.
Variant type: single nucleotide variant.
Coding change: c.524C>T on transcript NM_018489.3 (MANE Select); coding-DNA position 524, C replaced by T.
Protein change: p.Ser175Phe; replaces serine 175 with phenylalanine.
Molecular consequence: missense variant.
Genome position (GRCh38, 1-based): chr1:155,482,346, G>A on the plus strand (C>T on the coding strand, the complement: ASH1L is on the minus strand). VCF-style: chr1-155482346-G-A. GRCh37 (hg19) VCF-style: chr1-155452137-G-A.
Other names: c.524C>T, p.Ser175Phe (NM_001366177.2); short protein forms S175F.
Identifiers: ClinVar variation 3384495 (VCV003384495.1).